The following is an entry in ClinVar:

ClinVar aggregate classification (germline): Uncertain significance (1 of 4 stars; one submission).

Conditions:
Rienhoff syndrome. Also called: LOEYS-DIETZ SYNDROME 5. Identifiers: MedGen C3810012, MONDO:0014262, OMIM 615582.

Allele frequency attached by ClinVar (database versions not stated): TOPMed 0.00001.

Submission:

Labcorp Genetics (formerly Invitae), Labcorp
Classification: Uncertain significance for Rienhoff syndrome. Last evaluated: 2020-10-27. Review status: criteria provided, single submitter. Criteria: Invitae Variant Classification Sherloc (09022015). Collection method: clinical testing. Allele origin: germline.
Comment: In summary, the available evidence is currently insufficient to determine the role of this variant in disease. Therefore, it has been classified as a Variant of Uncertain Significance. Algorithms developed to predict the effect of missense changes on protein structure and function are either unavailable or do not agree on the potential impact of this missense change (SIFT: "Deleterious"; PolyPhen-2: "Benign"; Align-GVGD: "Class C0"). This variant has not been reported in the literature in individuals with TGFB3-related conditions. This variant is not present in population databases (ExAC no frequency). This sequence change replaces asparagine with threonine at codon 310 of the TGFB3 protein (p.Asn310Thr). The asparagine residue is highly conserved and there is a small physicochemical difference between asparagine and threonine.

NM_003239.5(TGFB3):c.929A>C (p.Asn310Thr)

Gene: TGFB3 (transforming growth factor beta 3; minus strand). Cytogenetic location: 14q24.3.
Variant type: single nucleotide variant.
Coding change: c.929A>C on transcript NM_003239.5 (MANE Select); coding-DNA position 929, A replaced by C.
Protein change: p.Asn310Thr; replaces asparagine 310 with threonine.
Molecular consequence: missense variant.
Genome position (GRCh38, 1-based): chr14:75,961,074, T>G on the plus strand (A>C on the coding strand, the complement: TGFB3 is on the minus strand). VCF-style: chr14-75961074-T-G. GRCh37 (hg19) VCF-style: chr14-76427417-T-G.
Other names: c.929A>C, p.Asn310Thr (NM_001329939.2); short protein forms N310T.
Identifiers: ClinVar variation 1026727 (VCV001026727.9), dbSNP rs1194831540, ClinGen allele CA390468104.